The following is an entry in ClinVar:

ClinVar aggregate classification (germline): Uncertain significance (1 of 4 stars; one submission).

Conditions:
Myopathy, centronuclear, 2 (CNM2). Also called: MYOTUBULAR MYOPATHY, AUTOSOMAL RECESSIVE. Identifiers: Orphanet 169186, MedGen CN031787, MONDO:0009709, OMIM 255200.

Allele frequency attached by ClinVar (database versions not stated): gnomAD exomes 0.00001 and below 0.00001.
gnomAD v4.1: 1 of 1,545,954 alleles (0.000065%); highest among the groups gnomAD compares: Admixed American, 0.002%; no homozygotes.

Submission:

Labcorp Genetics (formerly Invitae), Labcorp
Classification: Uncertain significance for Myopathy, centronuclear, 2. Last evaluated: 2021-01-15. Review status: criteria provided, single submitter. Criteria: Invitae Variant Classification Sherloc (09022015). Collection method: clinical testing. Allele origin: germline.
Comment: This sequence change replaces isoleucine with valine at codon 358 of the BIN1 protein (p.Ile358Val). The isoleucine residue is moderately conserved and there is a small physicochemical difference between isoleucine and valine. This variant is not present in population databases (ExAC no frequency). This variant has not been reported in the literature in individuals with BIN1-related disease. Algorithms developed to predict the effect of missense changes on protein structure and function (SIFT, PolyPhen-2, Align-GVGD) all suggest that this variant is likely to be tolerated, but these predictions have not been confirmed by published functional studies and their clinical significance is uncertain. In summary, the available evidence is currently insufficient to determine the role of this variant in disease. Therefore, it has been classified as a Variant of Uncertain Significance.

NM_139343.3(BIN1):c.1072A>G (p.Ile358Val)

Gene: BIN1 (bridging integrator 1; minus strand). Cytogenetic location: 2q14.3.
Variant type: single nucleotide variant.
Coding change: c.1072A>G on transcript NM_139343.3 (MANE Select); coding-DNA position 1072, A replaced by G.
Protein change: p.Ile358Val; replaces isoleucine 358 with valine.
Molecular consequence: missense variant. On other transcripts: intron variant (9).
Genome position (GRCh38, 1-based): chr2:127,057,532, T>C on the plus strand (A>G on the coding strand, the complement: BIN1 is on the minus strand). VCF-style: chr2-127057532-T-C. GRCh37 (hg19) VCF-style: chr2-127815108-T-C.
Other names: c.1072A>G, p.Ile358Val (NM_001320640.2); c.979A>G, p.Ile327Val (NM_001320641.2, NM_139347.3, NM_139348.3); c.991A>G, p.Ile331Val (NM_001320642.1); c.1024A>G, p.Ile342Val (NM_139346.3); c.837+1479A>G (NM_001320634.1); c.909+1479A>G (NM_139351.3, NM_139350.3, NM_139349.3); c.954+1479A>G (NM_001320632.2, NM_004305.4); c.1002+1479A>G (NM_001320633.2, NM_139345.3, NM_139344.3); short protein forms I327V, I331V, I342V, I358V.
Identifiers: ClinVar variation 1013658 (VCV001013658.8), dbSNP rs1355424178, ClinGen allele CA348378569.